The following is an entry in ClinVar:

NM_001365999.1(SZT2):c.6290+6T>G

Gene: SZT2 (SZT2 subunit of KICSTOR complex; plus strand). Cytogenetic location: 1p34.2.
Variant type: single nucleotide variant.
Coding change: c.6290+6T>G on transcript NM_001365999.1 (MANE Select); 6 bases into the intron after coding-DNA position 6290, T replaced by G.
Molecular consequence: intron variant.
Genome position (GRCh38, 1-based): chr1:43,437,514, T>G. VCF-style: chr1-43437514-T-G. GRCh37 (hg19) VCF-style: chr1-43903185-T-G.
Other names: c.6119+6T>G (NM_015284.4).
Identifiers: ClinVar variation 650482 (VCV000650482.10), dbSNP rs1570696130, ClinGen allele CA915941245.

ClinVar aggregate classification (germline): Uncertain significance. Review status: criteria provided, multiple submitters, no conflicts (2 of 4 stars). 3 submissions from 3 submitters: Uncertain significance (3). Last evaluated 2024-12-02.

Conditions:
Developmental and epileptic encephalopathy, 18 (DEE18). Also called: Early infantile epileptic encephalopathy 18. Identifiers: Orphanet 369894, MedGen C3809624, MONDO:0014201, OMIM 615476.
Inborn genetic diseases. Identifiers: MedGen C0950123, MeSH D030342.

Submissions (3):

Labcorp Genetics (formerly Invitae), Labcorp
Classification: Uncertain significance. Last evaluated: 2024-12-02. Review status: criteria provided, single submitter. Criteria: Invitae Variant Classification Sherloc (09022015). Collection method: clinical testing. Allele origin: germline.
Comment: This sequence change falls in intron 43 of the SZT2 gene. It does not directly change the encoded amino acid sequence of the SZT2 protein. It affects a nucleotide within the consensus splice site. This variant is not present in population databases (gnomAD no frequency). This variant has not been reported in the literature in individuals affected with SZT2-related conditions. ClinVar contains an entry for this variant (Variation ID: 650482). Variants that disrupt the consensus splice site are a relatively common cause of aberrant splicing (PMID: 17576681, 9536098). Algorithms developed to predict the effect of sequence changes on RNA splicing suggest that this variant may create or strengthen a splice site. In summary, the available evidence is currently insufficient to determine the role of this variant in disease. Therefore, it has been classified as a Variant of Uncertain Significance.

Genome-Nilou Lab
Classification: Uncertain significance for Developmental and epileptic encephalopathy, 18. Last evaluated: 2023-04-11. Review status: criteria provided, single submitter. Criteria: ACMG Guidelines, 2015. Collection method: clinical testing. Allele origin: germline. Affected: no.

Ambry Genetics
Classification: Uncertain significance for Inborn genetic diseases. Last evaluated: 2022-03-25. Review status: criteria provided, single submitter. Criteria: Ambry Variant Classification Scheme 2023. Collection method: clinical testing. Allele origin: germline.
Comment: The c.6119+6T>G intronic alteration consists of a T to G substitution 6 nucleotides after exon 43 of the SZT2 gene. Based on insufficient or conflicting evidence, the clinical significance of this alteration remains unclear.

Literature cited by the submitters: PubMed 17576681 (cited by Labcorp Genetics (formerly Invitae), Labcorp); PubMed 9536098 (cited by Labcorp Genetics (formerly Invitae), Labcorp).